The following is an entry in ClinVar:

ClinVar aggregate classification (germline): Conflicting classifications of pathogenicity. Review status: criteria provided, conflicting classifications (1 of 4 stars). 13 submissions from 13 submitters: Uncertain significance (5); Benign (1); Likely benign (5). 2 of the submissions do not count toward it. Last evaluated 2026-02-03.

Conditions:
BRCA2-related cancer predisposition. Identifiers: MedGen CN377758, MONDO:0700269.
Hereditary cancer-predisposing syndrome. Also called: Neoplastic Syndromes, Hereditary; Hereditary Cancer Syndrome; Tumor predisposition; Hereditary neoplastic syndrome. Identifiers: Orphanet 140162, MedGen C0027672, MeSH D009386, MONDO:0015356.
Breast and/or ovarian cancer. Identifiers: MedGen CN221562.
Hereditary breast ovarian cancer syndrome. Also called: Hereditary breast and/or ovarian cancer syndrome; Hereditary breast and ovarian cancer syndrome (HBOC); Hereditary breast and ovarian cancer syndrome; Hereditary breast and ovarian cancer; Breast and ovarian cancer; BRCA1- and BRCA2-Associated Hereditary Breast and Ovarian Cancer. Identifiers: Orphanet 145, MedGen C0677776, MeSH D061325, MONDO:0003582. Disease mechanism: loss of function.
Breast-ovarian cancer, familial, susceptibility to, 2 (BROVCA2). Also called: BRCA2 Hereditary Breast and Ovarian Cancer. Identifiers: Orphanet 145, MedGen C2675520, MONDO:0012933, OMIM 612555. Disease mechanism: loss of function.

Allele frequency attached by ClinVar (database versions not stated): gnomAD 0.00001 and 0.00006; TOPMed 0.00003; gnomAD exomes 0.00012 and 0.00025; ExAC 0.00023.
gnomAD v4.1: 184 of 1,613,932 alleles (0.011%); highest among the groups gnomAD compares: South Asian, 0.19%; 2 homozygotes.

Submissions (13):

Labcorp Genetics (formerly Invitae), Labcorp
Classification: Likely benign for Hereditary breast ovarian cancer syndrome. Last evaluated: 2026-02-03. Review status: criteria provided, single submitter. Criteria: Invitae Variant Classification Sherloc (09022015). Collection method: clinical testing. Allele origin: germline.

Quest Diagnostics Nichols Institute San Juan Capistrano
Classification: Benign. Last evaluated: 2025-05-15. Review status: criteria provided, single submitter. Criteria: Quest Diagnostics criteria. Collection method: clinical testing. Allele origin: unknown.

Blueprint Genetics
Classification: Uncertain significance. Last evaluated: 2024-07-18. Review status: criteria provided, single submitter. Criteria: ACMG Guidelines, 2015. Collection method: clinical testing. Allele origin: germline.

Women's Health and Genetics/Laboratory Corporation of America, LabCorp
Classification: Likely benign. Last evaluated: 2023-08-24. Review status: criteria provided, single submitter. Criteria: LabCorp Variant Classification Summary - May 2015. Collection method: clinical testing. Allele origin: germline.
Comment: Variant summary: BRCA2 c.8417C>T (p.Ser2806Leu) results in a non-conservative amino acid change in the encoded protein sequence. Five of five in-silico tools predict a damaging effect of the variant on protein function. The variant allele was found at a frequency of 0.00025 in 251380 control chromosomes, predominantly at a frequency of 0.0021 within the South Asian subpopulation in the gnomAD database. The observed variant frequency within South Asian control individuals in the gnomAD database is approximately 3 fold of the estimated maximal expected allele frequency for a pathogenic variant in BRCA2 causing Hereditary Breast And Ovarian Cancer Syndrome phenotype (0.00075), strongly suggesting that the variant is a benign polymorphism found primarily in populations of South Asian origin. c.8417C>T has been reported in the literature as a VUS in settings of multigene panel testing among individuals undergoing testing for colorectal/breast/ovarian cancer (example, Pearlman_2016, Wong-Brown_2015, Zidan_2017). These reports do not provide unequivocal conclusions about association of the variant with Hereditary Breast And Ovarian Cancer Syndrome. At least one publication reports experimental evidence evaluating an impact on protein function (Richardson_2021, Hu_2022). These results showed no damaging effect of this variant on homology directed repair (HDR) activity. HDR assays qualify as a recognized gold standard on the basis of updated guidance provided by the ClinGen Sequence Variant Interpretation (SVI) working group. This working group has recommended strong functional evidence (ACMG BS3) as sufficient weightage for categorization as likely benign (Tavtigian_2018). The following publications have been ascertained in the context of this evaluation (PMID: 25682074, 27978560, 28828701, 33609447, 35736817). Nine clinical diagnostic laboratories have submitted clinical-significance assessments for this variant to ClinVar after 2014 without evidence for independent evaluation. Multiple laboratories reported the variant with conflicting assessments (likely benign, n=4; VUS, n=5). Based on the evidence outlined above, the variant was classified as likely benign.

Department of Pathology and Laboratory Medicine, Sinai Health System
Classification: Uncertain significance for BRCA2-related cancer predisposition. Last evaluated: 2023-03-21. Review status: criteria provided, single submitter. Criteria: ACMG Guidelines, 2015. Collection method: clinical testing. Allele origin: germline. Affected: yes.

Color Diagnostics, LLC DBA Color Health
Classification: Likely benign for Hereditary cancer-predisposing syndrome. Last evaluated: 2022-09-06. Review status: criteria provided, single submitter. Criteria: ACMG Guidelines, 2015. Collection method: clinical testing. Allele origin: germline.

GeneDx
Classification: Likely benign. Last evaluated: 2021-04-08. Review status: criteria provided, single submitter. Criteria: GeneDx Variant Classification Process June 2021. Collection method: clinical testing. Allele origin: germline. Affected: yes.
Comment: This variant is associated with the following publications: (PMID: 25682074, 25925381, 27978560, 31131967, 29470806, 32531196, 32377563)

Ambry Genetics
Classification: Likely benign for Hereditary cancer-predisposing syndrome. Last evaluated: 2020-01-24. Review status: criteria provided, single submitter. Criteria: Ambry Variant Classification Scheme 2023. Collection method: clinical testing. Allele origin: germline.

CHEO Genetics Diagnostic Laboratory, Children's Hospital of Eastern Ontario
Classification: Uncertain significance for Breast and/or ovarian cancer. Last evaluated: 2019-08-02. Review status: criteria provided, single submitter. Criteria: ACMG Guidelines, 2015. Collection method: clinical testing. Allele origin: germline.

PreventionGenetics, part of Exact Sciences
Classification: Uncertain significance. Last evaluated: 2017-10-23. Review status: criteria provided, single submitter. Criteria: ACMG Guidelines, 2015. Collection method: clinical testing. Allele origin: germline.

Clinical Genetics DNA and cytogenetics Diagnostics Lab, Erasmus MC, Erasmus Medical Center
Classification: Uncertain significance for Breast-ovarian cancer, familial, susceptibility to, 2. Last evaluated: 2017-05-31. Review status: criteria provided, single submitter. Criteria: ACGS Guidelines, 2013. Collection method: clinical testing. Allele origin: germline. Affected: yes. Study: VKGL Data-share Consensus.

Counsyl
Classification: Uncertain significance for Breast-ovarian cancer, familial, susceptibility to, 2. Last evaluated: 2016-08-22. Review status: no assertion criteria provided. Collection method: clinical testing. Allele origin: unknown. Not counted in ClinVar's aggregate classification.

Clinical Genetics Laboratory, Department of Pathology, Netherlands Cancer Institute
Classification: Uncertain significance. Review status: no assertion criteria provided. Collection method: clinical testing. Allele origin: germline. Affected: yes. Study: VKGL Data-share Consensus. Not counted in ClinVar's aggregate classification.

Literature cited by the submitters: PubMed 39402389 (cited by Quest Diagnostics Nichols Institute San Juan Capistrano); PubMed 37306523 (cited by Quest Diagnostics Nichols Institute San Juan Capistrano); PubMed 37277882 (cited by Quest Diagnostics Nichols Institute San Juan Capistrano); PubMed 35736817 (cited by Quest Diagnostics Nichols Institute San Juan Capistrano and Women's Health and Genetics/Laboratory Corporation of America, LabCorp); PubMed 33609447 (cited by 3 submitters); PubMed 39779848 (cited by Quest Diagnostics Nichols Institute San Juan Capistrano); PubMed 29470806 (cited by 3 submitters); PubMed 33471991 (cited by Quest Diagnostics Nichols Institute San Juan Capistrano and Department of Pathology and Laboratory Medicine, Sinai Health System); PubMed 32531196 (cited by Quest Diagnostics Nichols Institute San Juan Capistrano); PubMed 32377563 (cited by Quest Diagnostics Nichols Institute San Juan Capistrano); PubMed 27978560 (cited by 4 submitters); PubMed 25682074 (cited by 5 submitters); PubMed 28828701 (cited by Women's Health and Genetics/Laboratory Corporation of America, LabCorp).

NM_000059.4(BRCA2):c.8417C>T (p.Ser2806Leu)

Gene: BRCA2 (BRCA2 DNA repair associated; plus strand). Cytogenetic location: 13q13.1.
Variant type: single nucleotide variant.
Coding change: c.8417C>T on transcript NM_000059.4 (MANE Select); coding-DNA position 8417, C replaced by T.
Protein change: p.Ser2806Leu; replaces serine 2806 with leucine.
Molecular consequence: missense variant.
Genome position (GRCh38, 1-based): chr13:32,370,487, C>T. VCF-style: chr13-32370487-C-T. GRCh37 (hg19) VCF-style: chr13-32944624-C-T.
Other names: short protein forms S2806L.
Identifiers: ClinVar variation 142874 (VCV000142874.38), dbSNP rs587782785, ClinGen allele CA025633.
Genomic context (GRCh38, chr13:32,370,487, plus strand): 5'-CTCGCTGGTATACCAAACTTGGATTCTTTCCTGACCCTAGACCTTTTCCTCTGCCCTTAT[C>T]ATCGCTTTTCAGTGATGGAGGAAATGTTGGTTGTGTTGATGTAATTATTCAAAGAGCATA-3'
Protein context (NP_000050.3, residues 2796-2816): PDPRPFPLPL[Ser2806Leu]SLFSDGGNVG